The following is an entry in ClinVar:

NM_178471.3(GPR119):c.161T>A (p.Ile54Asn)

Gene: GPR119 (G protein-coupled receptor 119; minus strand). Cytogenetic location: Xq26.1.
Variant type: single nucleotide variant.
Coding change: c.161T>A on transcript NM_178471.3 (MANE Select); coding-DNA position 161, T replaced by A.
Protein change: p.Ile54Asn; replaces isoleucine 54 with asparagine.
Molecular consequence: missense variant.
Genome position (GRCh38, 1-based): chrX:130,385,287, A>T on the plus strand (T>A on the coding strand, the complement: GPR119 is on the minus strand). VCF-style: chrX-130385287-A-T. GRCh37 (hg19) VCF-style: chrX-129519261-A-T.
Other names: short protein forms I54N.
Identifiers: ClinVar variation 3101384 (VCV003101384.2), dbSNP rs1238717925, ClinGen allele CA414660969.

ClinVar aggregate classification (germline): Uncertain significance (1 of 4 stars; one submission).

Allele frequency attached by ClinVar (database versions not stated): gnomAD exomes 0.00001; TOPMed 0.00003; gnomAD 0.00004.

Submission:

Ambry Genetics
Classification: Uncertain significance. Last evaluated: 2026-02-02. Review status: criteria provided, single submitter. Criteria: Ambry Variant Classification Scheme 2023. Collection method: clinical testing. Allele origin: germline.
Comment: The c.161T>A (p.I54N) alteration is located in exon 1 (coding exon 1) of the GPR119 gene. This alteration results from a T to A substitution at nucleotide position 161, causing the isoleucine (I) at amino acid position 54 to be replaced by an asparagine (N). Based on data from gnomAD, the A allele has an overall frequency of 0.001% (2/182991) total alleles studied. The highest observed frequency was 0.003% (2/81493) of European (non-Finnish) alleles. Based on insufficient or conflicting evidence, the clinical significance of this alteration remains unclear.